The following is an entry in ClinVar:

ClinVar aggregate classification (germline): Pathogenic. Review status: reviewed by expert panel (3 of 4 stars). 3 submissions from 3 submitters: Pathogenic (1). 2 of the submissions do not count toward it. Last evaluated 2017-12-08.

Conditions:
CFTR-related disorder (CFTR-RD). Also called: CFTR-related disorders; CFTR-related condition. Identifiers: MedGen C5924204, MONDO:7770004.
Cystic fibrosis (CF). Also called: MUCOVISCIDOSIS. Identifiers: Orphanet 586, MedGen C0010674, MONDO:0009061, OMIM 219700. Disease mechanism: loss of function.

gnomAD v4.1: 5 of 1,613,476 alleles (0.00031%); highest among the groups gnomAD compares: Non-Finnish European, 0.00042%; no homozygotes.

Submissions (3):

CFTR2
Classification: Pathogenic for Cystic fibrosis. Last evaluated: 2017-12-08. Review status: reviewed by expert panel. Criteria: Sosnay PR et al. (Nat Genet 2013). Collection method: research. Allele origin: germline. Affected: yes.

Natera, Inc.
Classification: Pathogenic for CFTR-related disorders. Last evaluated: 2024-10-11. Review status: criteria provided, single submitter. Criteria: Natera Variant Classification Schema (03/2026). Collection method: clinical testing. Allele origin: germline. Not counted in ClinVar's aggregate classification.
Comment: The c.3848G>T variant in CFTR is a missense variant predicted to cause substitution of arginine to methionine at amino acid 1283. This variant is rare in the general population with a frequency below the threshold expected for the associated phenotype(s). This variant has been observed in one or more individuals affected with the associated recessive disease, as either homozygous or compound heterozygous with a second variant (PMID: 1284468, 15618584, 7896303). This variant has been identified in one or more affected individual with a phenotype highly consistent with the associated gene (PMID: 1284468, 15618584). This variant has been found together with another disease-causing variant in the same copy of the gene (PMID: 30888834). Functional studies show that this variant may disrupt protein function (PMID: 15618584, 30888834, 8388235). Computational prediction algorithms indicate this variant is likely to affect gene or protein function. Given the available evidence, this variant is classified as Pathogenic.

OMIM
Classification: Pathogenic for CYSTIC FIBROSIS. Last evaluated: 1992-05-01. Review status: no assertion criteria provided. Collection method: literature only. Allele origin: germline. Not counted in ClinVar's aggregate classification.

Literature cited by the submitters: PubMed 1284468 (cited by Natera, Inc. and OMIM); PubMed 15618584 (cited by Natera, Inc.); PubMed 7896303 (cited by Natera, Inc.); PubMed 30888834 (cited by Natera, Inc.); PubMed 8388235 (cited by Natera, Inc.).

NM_000492.4(CFTR):c.3848G>T (p.Arg1283Met)

Genes: CFTR (CF transmembrane conductance regulator; plus strand), CFTR-AS2 (CFTR antisense RNA 2; minus strand). Cytogenetic location: 7q31.2.
Variant type: single nucleotide variant.
Coding change: c.3848G>T on transcript NM_000492.4 (MANE Select); coding-DNA position 3848, G replaced by T.
Protein change: p.Arg1283Met; replaces arginine 1283 with methionine.
Molecular consequence: missense variant.
Genome position (GRCh38, 1-based): chr7:117,642,568, G>T. VCF-style: chr7-117642568-G-T. GRCh37 (hg19) VCF-style: chr7-117282622-G-T.
Other names: short protein forms R1283M.
Identifiers: ClinVar variation 7167 (VCV000007167.5), dbSNP rs77902683, ClinGen allele CA325559.
Genomic context (GRCh38, chr7:117,642,568, plus strand): 5'-CTGAAGGAGAAATCCAGATCGATGGTGTGTCTTGGGATTCAATAACTTTGCAACAGTGGA[G>T]GAAAGCCTTTGGAGTGATACCACAGGTGAGCAAAAGGACTTAGCCAGAAAAAAGGCAACT-3'
Protein context (NP_000483.3, residues 1273-1293): SWDSITLQQW[Arg1283Met]KAFGVIPQKV